The following is an entry in ClinVar:

NM_021076.4(NEFH):c.263_274del (p.Met88_Ala92delinsThr)

Gene: NEFH (neurofilament heavy chain; plus strand). Cytogenetic location: 22q12.2.
Variant type: Deletion.
Coding change: c.263_274del on transcript NM_021076.4 (MANE Select); coding-DNA positions 263 to 274, 12 bases deleted (TGGTGGCGGTGG).
Protein change: p.Met88_Ala92delinsThr.
Molecular consequence: inframe indel.
Genome position (GRCh38, 1-based): chr22:29,480,525-29,480,536, TGGTGGCGGTGG deleted. VCF-style (leftmost placement, unchanged base first): chr22-29480524-ATGGTGGCGGTGG-A. GRCh37 (hg19) VCF-style: chr22-29876513-ATGGTGGCGGTGG-A.
Other names: c.263_274del12 (NM_021076.4).
Identifiers: ClinVar variation 3251383 (VCV003251383.1), dbSNP rs2517968430.

ClinVar aggregate classification (germline): Uncertain significance (1 of 4 stars; one submission).

Submission:

Women's Health and Genetics/Laboratory Corporation of America, LabCorp
Classification: Uncertain significance. Last evaluated: 2024-04-29. Review status: criteria provided, single submitter. Criteria: LabCorp Variant Classification Summary - May 2015. Collection method: clinical testing. Allele origin: germline.
Comment: Variant summary: NEFH c.263_274del12 (p.Met88_Ala92delinsThr) results in an in-frame deletion-insertion that is predicted to delete 5 amino acids and insert 1 amino acid from the protein. The variant was absent in 31358 control chromosomes. The available data on variant occurrences in the general population are insufficient to allow any conclusion about variant significance. To our knowledge, no occurrence of c.263_274del12 in individuals affected with Charcot-Marie Tooth Disease, Axonal, Type 2CC and no experimental evidence demonstrating its impact on protein function have been reported. No submitters have cited clinical-significance assessments for this variant to ClinVar. Based on the evidence outlined above, the variant was classified as uncertain significance.